The following is an entry in ClinVar:

NM_001148.6(ANK2):c.2376+106A>G

Gene: ANK2 (ankyrin 2; plus strand). Cytogenetic location: 4q26.
Variant type: single nucleotide variant.
Coding change: c.2376+106A>G on transcript NM_001148.6 (MANE Select); 106 bases into the intron after coding-DNA position 2376, A replaced by G.
Molecular consequence: intron variant.
Genome position (GRCh38, 1-based): chr4:113,292,620, A>G. VCF-style: chr4-113292620-A-G. GRCh37 (hg19) VCF-style: chr4-114213776-A-G.
Other names: c.2364+106A>G (NM_001386186.2, NM_001386148.2); c.2166+106A>G (NM_001354269.3); c.2340+106A>G (NM_001386187.2); c.2334+106A>G (NM_001386147.1, NM_001386160.1, NM_001354261.2); c.2313+106A>G (NM_001354254.2, NM_001354239.2, NM_001354252.2 and 10 more transcripts); c.2214+106A>G (NM_001354253.2, NM_001354270.2, NM_001354257.2 and 1 more transcripts); c.2289+106A>G (NM_001354249.2, NM_001354266.2, NM_001354276.2 and 10 more transcripts); c.2190+106A>G (NM_001386151.1, NM_001354260.2, NM_001354271.2); and 8 more.
Identifiers: ClinVar variation 672182 (VCV000672182.2), dbSNP rs29340, ClinGen allele CA15298592.
Genomic context (GRCh38, chr4:113,292,620, plus strand): 5'-TCTCTTGCCCTGGTGGCTTCTTGTCTGAGCTGAGTGAGGTCAGATTCCTCCTCTTTAAAT[A>G]AGCCCCCTGGACTCTGGAAAGCCCCAGATTTTTGGGCAGGCTTTCCAGAAGTCAGTGTGA-3'

ClinVar aggregate classification (germline): Likely benign. Review status: criteria provided, multiple submitters, no conflicts (2 of 4 stars). 2 submissions from 2 submitters: Likely benign (2). Last evaluated 2018-06-14.

Allele frequency attached by ClinVar (database versions not stated): TOPMed 0.04500; 1000 Genomes Project 30x 0.06558; 1000 Genomes Project 0.06849.
gnomAD v4.1: 50,735 of 1,215,710 alleles (4.2%); highest among the groups gnomAD compares: East Asian, 26%; 2,200 homozygotes.

Submissions (2):

GeneDx
Classification: Likely benign. Last evaluated: 2018-06-14. Review status: criteria provided, single submitter. Criteria: GeneDx Variant Classification (06012015). Collection method: clinical testing. Allele origin: germline. Affected: yes.
Comment: This variant is considered likely benign or benign based on one or more of the following criteria: it is a conservative change, it occurs at a poorly conserved position in the protein, it is predicted to be benign by multiple in silico algorithms, and/or has population frequency not consistent with disease.

Breakthrough Genomics
Classification: Likely benign. Review status: criteria provided, single submitter. Criteria: ACMG Guidelines, 2015. Collection method: not provided. Allele origin: germline. Inheritance: Autosomal dominant inheritance. Affected: yes.